The following is an entry in ClinVar:

NM_153460.4(IL17RC):c.1203A>G (p.Arg401=)

Gene: IL17RC (interleukin 17 receptor C; plus strand). Cytogenetic location: 3p25.3.
Variant type: single nucleotide variant.
Coding change: c.1203A>G on transcript NM_153460.4 (MANE Select); coding-DNA position 1203, A replaced by G.
Protein change: p.Arg401=; no amino-acid change (arginine 401 retained).
Molecular consequence: synonymous variant. On other transcripts: non-coding transcript variant (1).
Genome position (GRCh38, 1-based): chr3:9,930,074, A>G. VCF-style: chr3-9930074-A-G. GRCh37 (hg19) VCF-style: chr3-9971758-A-G.
Other names: p.Arg472=; c.1203A>G, p.Arg401= (NM_001203263.2); c.1152A>G, p.Arg384= (NM_001203264.2); c.1107A>G, p.Arg369= (NM_001203265.2); c.1164A>G, p.Arg388= (NM_001367278.1); c.1083A>G, p.Arg361= (NM_001367279.1); c.1158A>G, p.Arg386= (NM_001367280.1, NM_032732.6); c.1416A>G, p.Arg472= (NM_153461.4).
Identifiers: ClinVar variation 475920 (VCV000475920.16), dbSNP rs138063632, ClinGen allele CA2247195.

ClinVar aggregate classification (germline): Likely benign. Review status: criteria provided, multiple submitters, no conflicts (2 of 4 stars). 6 submissions from 6 submitters: Likely benign (4). 2 of the submissions do not count toward it. Last evaluated 2026-02-01.

Conditions:
Candidiasis, familial, 9 (CANDF9). Identifiers: Orphanet 1334, MedGen C4225324, MONDO:0014642, OMIM 616445.

Allele frequency attached by ClinVar (database versions not stated): 1000 Genomes Project 0.00040; 1000 Genomes Project 30x 0.00047; ExAC 0.00102; TOPMed 0.00109; gnomAD exomes 0.00113 and 0.00229; ESP Exome Variant Server 0.00115; gnomAD 0.00125 and 0.00130.
gnomAD v4.1: 3,485 of 1,614,068 alleles (0.22%); highest among the groups gnomAD compares: Non-Finnish European, 0.28%; 5 homozygotes.

Submissions (6):

Labcorp Genetics (formerly Invitae), Labcorp
Classification: Likely benign for Candidiasis, familial, 9. Last evaluated: 2026-02-01. Review status: criteria provided, single submitter. Criteria: Invitae Variant Classification Sherloc (09022015). Collection method: clinical testing. Allele origin: germline.

Mayo Clinic Laboratories, Mayo Clinic
Classification: Likely benign. Last evaluated: 2025-08-05. Review status: criteria provided, single submitter. Criteria: ACMG Guidelines, 2015. Collection method: clinical testing. Allele origin: germline. Observed: 1 variant allele.
Comment: BS2_supporting, BP4, BP7

Blueprint Genetics
Classification: Likely benign. Last evaluated: 2024-11-13. Review status: criteria provided, single submitter. Criteria: ACMG Guidelines, 2015. Collection method: clinical testing. Allele origin: germline.

Breakthrough Genomics
Classification: Likely benign. Review status: criteria provided, single submitter. Criteria: ACMG Guidelines, 2015. Collection method: not provided. Allele origin: germline. Inheritance: Autosomal recessive inheritance. Affected: yes.

Clinical Genetics DNA and cytogenetics Diagnostics Lab, Erasmus MC, Erasmus Medical Center
Classification: Likely benign. Review status: no assertion criteria provided. Collection method: clinical testing. Allele origin: germline. Affected: yes. Study: VKGL Data-share Consensus. Not counted in ClinVar's aggregate classification.

Genome Diagnostics Laboratory, University Medical Center Utrecht
Classification: Likely benign. Review status: no assertion criteria provided. Collection method: clinical testing. Allele origin: germline. Affected: yes. Study: VKGL Data-share Consensus. Not counted in ClinVar's aggregate classification.